The following is an entry in ClinVar:

ClinVar aggregate classification (germline): Uncertain significance (1 of 4 stars; one submission).

gnomAD v4.1: 1 of 1,614,138 alleles (0.000062%); no homozygotes.

Submission:

GeneDx
Classification: Uncertain significance. Last evaluated: 2024-01-25. Review status: criteria provided, single submitter. Criteria: GeneDx Variant Classification Process June 2021. Collection method: clinical testing. Allele origin: germline. Affected: yes.
Comment: Not observed at significant frequency in large population cohorts (gnomAD); In silico analysis supports that this missense variant does not alter protein structure/function; Has not been previously published as pathogenic or benign to our knowledge

NM_016284.5(CNOT1):c.2097T>A (p.Ser699Arg)

Gene: CNOT1 (CCR4-NOT transcription complex subunit 1; minus strand). Cytogenetic location: 16q21.
Variant type: single nucleotide variant.
Coding change: c.2097T>A on transcript NM_016284.5 (MANE Select); coding-DNA position 2097, T replaced by A.
Protein change: p.Ser699Arg; replaces serine 699 with arginine.
Molecular consequence: missense variant. On other transcripts: non-coding transcript variant (1).
Genome position (GRCh38, 1-based): chr16:58,560,245, A>T on the plus strand (T>A on the coding strand, the complement: CNOT1 is on the minus strand). VCF-style: chr16-58560245-A-T. GRCh37 (hg19) VCF-style: chr16-58594149-A-T.
Other names: c.2097T>A, p.Ser699Arg (NM_001265612.2, NM_206999.3); short protein forms S699R.
Identifiers: ClinVar variation 3368372 (VCV003368372.1).